The following is an entry in ClinVar:

ClinVar aggregate classification (germline): Uncertain significance (1 of 4 stars; one submission).

Conditions:
Familial hemophagocytic lymphohistiocytosis 5. Also called: STXBP2-Related Familial Hemophagocytic Lymphohistiocytosis (STXBP2-fHLH). Identifiers: Orphanet 540, MedGen C2751293, MONDO:0013135, OMIM 613101.

Allele frequency attached by ClinVar (database versions not stated): ExAC 0.00001; gnomAD exomes 0.00001; TOPMed 0.00002; gnomAD 0.00003.

Submission:

Labcorp Genetics (formerly Invitae), Labcorp
Classification: Uncertain significance for Familial hemophagocytic lymphohistiocytosis 5. Last evaluated: 2022-04-29. Review status: criteria provided, single submitter. Criteria: Invitae Variant Classification Sherloc (09022015). Collection method: clinical testing. Allele origin: germline.
Comment: This sequence change replaces glutamic acid, which is acidic and polar, with lysine, which is basic and polar, at codon 283 of the STXBP2 protein (p.Glu283Lys). This variant is present in population databases (rs778489407, gnomAD 0.008%). This variant has not been reported in the literature in individuals affected with STXBP2-related conditions. ClinVar contains an entry for this variant (Variation ID: 956441). Algorithms developed to predict the effect of missense changes on protein structure and function are either unavailable or do not agree on the potential impact of this missense change (SIFT: "Tolerated"; PolyPhen-2: "Probably Damaging"; Align-GVGD: "Class C0"). In summary, the available evidence is currently insufficient to determine the role of this variant in disease. Therefore, it has been classified as a Variant of Uncertain Significance.

NM_006949.4(STXBP2):c.847G>A (p.Glu283Lys)

Gene: STXBP2 (syntaxin binding protein 2; plus strand). Cytogenetic location: 19p13.2.
Variant type: single nucleotide variant.
Coding change: c.847G>A on transcript NM_006949.4 (MANE Select); coding-DNA position 847, G replaced by A.
Protein change: p.Glu283Lys; replaces glutamic acid 283 with lysine.
Molecular consequence: missense variant. On other transcripts: non-coding transcript variant (1).
Genome position (GRCh38, 1-based): chr19:7,642,481, G>A. VCF-style: chr19-7642481-G-A. GRCh37 (hg19) VCF-style: chr19-7707367-G-A.
Other names: c.838G>A, p.Glu280Lys (NM_001127396.3); c.880G>A, p.Glu294Lys (NM_001272034.2); short protein forms E283K, E294K, E280K.
Identifiers: ClinVar variation 956441 (VCV000956441.7), dbSNP rs778489407, ClinGen allele CA9143821.
Genomic context (GRCh38, chr19:7,642,481, plus strand): 5'-CTCCCCAGGTATGAGACCACCGGGCTGAGCGAGGCGCGGGAGAAGGCCGTCTTGCTGGAC[G>A]AGGACGATGACTTGTGGGTGGAGCTTCGCCACATGCATATCGCAGATGTGTCCAAGTGCG-3'
Protein context (NP_008880.2, residues 273-293): EAREKAVLLD[Glu283Lys]DDDLWVELRH